The following is an entry in ClinVar:

ClinVar aggregate classification (germline): Uncertain significance (1 of 4 stars; one submission).

Conditions:
Inborn genetic diseases. Identifiers: MedGen C0950123, MeSH D030342.

Submission:

Ambry Genetics
Classification: Uncertain significance for Inborn genetic diseases. Last evaluated: 2021-10-12. Review status: criteria provided, single submitter. Criteria: Ambry Variant Classification Scheme 2023. Collection method: clinical testing. Allele origin: germline.
Comment: The p.E2210A variant (also known as c.6629A>C), located in coding exon 45 of the LRRK2 gene, results from an A to C substitution at nucleotide position 6629. The glutamic acid at codon 2210 is replaced by alanine, an amino acid with dissimilar properties. This amino acid position is conserved. In addition, the in silico prediction for this alteration is inconclusive. Since supporting evidence is limited at this time, the clinical significance of this alteration remains unclear.

NM_198578.4(LRRK2):c.6629A>C (p.Glu2210Ala)

Gene: LRRK2 (leucine rich repeat kinase 2; plus strand). Cytogenetic location: 12q12.
Variant type: single nucleotide variant.
Coding change: c.6629A>C on transcript NM_198578.4 (MANE Select); coding-DNA position 6629, A replaced by C.
Protein change: p.Glu2210Ala; replaces glutamic acid 2210 with alanine.
Molecular consequence: missense variant.
Genome position (GRCh38, 1-based): chr12:40,354,351, A>C. VCF-style: chr12-40354351-A-C. GRCh37 (hg19) VCF-style: chr12-40748153-A-C.
Other names: short protein forms E2210A.
Identifiers: ClinVar variation 1754550 (VCV001754550.2), dbSNP rs2499993406, ClinGen allele CA384408927.
Genomic context (GRCh38, chr12:40,354,351, plus strand): 5'-CTTAACAGGAAGTTGCTGATAGTAGAATATTGTGCTTAGCCTTGGTGCATCTTCCTGTTG[A>C]AAAGGAAAGCTGGATTGTGTCTGGGACACAGTCTGGTACTCTCCTGGTCATCAATACCGA-3'
Protein context (NP_940980.4, residues 2200-2220): LCLALVHLPV[Glu2210Ala]KESWIVSGTQ